The following is an entry in ClinVar:

ClinVar aggregate classification (germline): Uncertain significance (1 of 4 stars; one submission).

Allele frequency attached by ClinVar (database versions not stated): gnomAD exomes below 0.00001.
gnomAD v4.1: 2 of 1,610,078 alleles (0.00012%); highest among the groups gnomAD compares: Non-Finnish European, 0.00017%; no homozygotes.

Submission:

Ambry Genetics
Classification: Uncertain significance. Last evaluated: 2021-10-25. Review status: criteria provided, single submitter. Criteria: Ambry Variant Classification Scheme 2023. Collection method: clinical testing. Allele origin: germline.
Comment: The p.W121R variant (also known as c.361T>C), located in coding exon 1 of the EGLN2 gene, results from a T to C substitution at nucleotide position 361. The tryptophan at codon 121 is replaced by arginine, an amino acid with dissimilar properties. This amino acid position is conserved. In addition, this alteration is predicted to be tolerated by in silico analysis. Since supporting evidence is limited at this time, the clinical significance of this alteration remains unclear.

NM_080732.4(EGLN2):c.361T>C (p.Trp121Arg)

Genes: EGLN2 (egl-9 family hypoxia inducible factor 2; plus strand), RAB4B-EGLN2 (RAB4B-EGLN2 readthrough (NMD candidate); plus strand). Cytogenetic location: 19q13.2.
Variant type: single nucleotide variant.
Coding change: c.361T>C on transcript NM_080732.4 (MANE Select); coding-DNA position 361, T replaced by C.
Protein change: p.Trp121Arg; replaces tryptophan 121 with arginine.
Molecular consequence: missense variant. On other transcripts: non-coding transcript variant (1).
Genome position (GRCh38, 1-based): chr19:40,800,933, T>C. VCF-style: chr19-40800933-T-C. GRCh37 (hg19) VCF-style: chr19-41306838-T-C.
Other names: c.361T>C, p.Trp121Arg (NM_053046.4); short protein forms W121R.
Identifiers: ClinVar variation 1733314 (VCV001733314.2), dbSNP rs2515993768, ClinGen allele CA405955085.